The following is an entry in ClinVar:

ClinVar aggregate classification (germline): Benign/Likely benign. Review status: criteria provided, multiple submitters, no conflicts (2 of 4 stars). 7 submissions from 7 submitters: Benign (3); Likely benign (4). Last evaluated 2026-01-01.

Conditions:
Familial cold autoinflammatory syndrome 2 (FCAS2). Identifiers: Orphanet 247868, MedGen C2673198, MONDO:0012724, OMIM 611762.
Autoinflammatory syndrome. Identifiers: Orphanet 93665, MedGen C3890737, MONDO:0019751.

Allele frequency attached by ClinVar (database versions not stated): gnomAD exomes 0.00022 and 0.00056; ExAC 0.00074; gnomAD 0.00188 and 0.00194; TOPMed 0.00230; ESP Exome Variant Server 0.00254; 1000 Genomes Project 30x 0.00328; 1000 Genomes Project 0.00379.
gnomAD v4.1: 652 of 1,613,594 alleles (0.04%); highest among the groups gnomAD compares: African/African-American, 0.71%; 3 homozygotes.

Submissions (7):

Labcorp Genetics (formerly Invitae), Labcorp
Classification: Benign for Familial cold autoinflammatory syndrome 2. Last evaluated: 2026-01-01. Review status: criteria provided, single submitter. Criteria: Invitae Variant Classification Sherloc (09022015). Collection method: clinical testing. Allele origin: germline.

ARUP Laboratories, Molecular Genetics and Genomics, ARUP Laboratories
Classification: Benign for Familial cold autoinflammatory syndrome 2. Last evaluated: 2025-06-04. Review status: criteria provided, single submitter. Criteria: ARUP Molecular Germline Variant Investigation Process 2024. Collection method: clinical testing. Allele origin: germline.

Blueprint Genetics
Classification: Likely benign. Last evaluated: 2024-11-14. Review status: criteria provided, single submitter. Criteria: ACMG Guidelines, 2015. Collection method: clinical testing. Allele origin: germline.

CeGaT Center for Human Genetics Tuebingen
Classification: Likely benign. Last evaluated: 2023-06-01. Review status: criteria provided, single submitter. Criteria: CeGaT Center For Human Genetics Tuebingen Variant Classification Criteria Version 2. Collection method: clinical testing. Allele origin: germline. Affected: yes. Observed: 1 variant allele.
Comment: NLRP12: BP4, BP7

Fulgent Genetics
Classification: Likely benign for Familial cold autoinflammatory syndrome 2. Last evaluated: 2022-04-05. Review status: criteria provided, single submitter. Criteria: ACMG Guidelines, 2015. Collection method: clinical testing. Allele origin: unknown.

Genome Diagnostics Laboratory, The Hospital for Sick Children
Classification: Likely benign for Autoinflammatory syndrome. Last evaluated: 2021-03-25. Review status: criteria provided, single submitter. Criteria: ACMG Guidelines, 2015. Collection method: clinical testing. Allele origin: germline. Affected: yes.

Breakthrough Genomics
Classification: Benign. Review status: criteria provided, single submitter. Criteria: ACMG Guidelines, 2015. Collection method: not provided. Allele origin: germline. Inheritance: Autosomal dominant inheritance. Affected: yes.

NM_144687.4(NLRP12):c.1299A>G (p.Ala433=)

Gene: NLRP12 (NLR family pyrin domain containing 12; minus strand). Cytogenetic location: 19q13.42.
Variant type: single nucleotide variant.
Coding change: c.1299A>G on transcript NM_144687.4 (MANE Select); coding-DNA position 1299, A replaced by G.
Protein change: p.Ala433=; no amino-acid change (alanine 433 retained).
Molecular consequence: synonymous variant.
Genome position (GRCh38, 1-based): chr19:53,810,360, T>C on the plus strand (A>G on the coding strand, the complement: NLRP12 is on the minus strand). VCF-style: chr19-53810360-T-C. GRCh37 (hg19) VCF-style: chr19-54313614-T-C.
Other names: c.1299A>G, p.Ala433= (NM_001277126.2, NM_001277129.1).
Identifiers: ClinVar variation 536938 (VCV000536938.47), dbSNP rs73608455, ClinGen allele CA9639462.
Genomic context (GRCh38, chr19:53,810,360, plus strand): 5'-CTGGAGGCGCGGGGCCCCCGGCTTGGGTTGCATCAGACTCAGCAGGTAGAGCATGTACAC[T>C]GCAGTGGTGGTCCTGGACGTCTGTCTCAACAGCCCCCCACCCTCCAGCTGCTGCTGGAGG-3'
Protein context (NP_653288.1, residues 423-443): LLRQTSRTTT[Ala433=]VYMLYLLSLM